The following is an entry in ClinVar:

NM_000455.5(STK11):c.637A>G (p.Ser213Gly)

Gene: STK11 (serine/threonine kinase 11; plus strand). Cytogenetic location: 19p13.3.
Variant type: single nucleotide variant.
Coding change: c.637A>G on transcript NM_000455.5 (MANE Select); coding-DNA position 637, A replaced by G.
Protein change: p.Ser213Gly; replaces serine 213 with glycine.
Molecular consequence: missense variant.
Genome position (GRCh38, 1-based): chr19:1,220,620, A>G. VCF-style: chr19-1220620-A-G. GRCh37 (hg19) VCF-style: chr19-1220619-A-G.
Other names: short protein forms S213G.
Identifiers: ClinVar variation 826365 (VCV000826365.16), dbSNP rs1599926852, ClinGen allele CA402949554.

ClinVar aggregate classification (germline): Uncertain significance. Review status: criteria provided, multiple submitters, no conflicts (2 of 4 stars). 3 submissions from 3 submitters: Uncertain significance (3). Last evaluated 2021-07-15.

Conditions:
Hereditary cancer-predisposing syndrome. Also called: Neoplastic Syndromes, Hereditary; Hereditary Cancer Syndrome; Hereditary neoplastic syndrome; Tumor predisposition. Identifiers: Orphanet 140162, MedGen C0027672, MeSH D009386, MONDO:0015356.
Peutz-Jeghers syndrome (PJS). Also called: Peutz-Jeghers polyposis; Periorificial lentiginosis syndrome; POLYPOSIS, HAMARTOMATOUS INTESTINAL; POLYPS-AND-SPOTS SYNDROME. Identifiers: Orphanet 2869, MedGen C0031269, MeSH D010580, MONDO:0008280, OMIM 175200.

Submissions (3):

Genome-Nilou Lab
Classification: Uncertain significance for Peutz-Jeghers syndrome. Last evaluated: 2021-07-15. Review status: criteria provided, single submitter. Criteria: ACMG Guidelines, 2015. Collection method: clinical testing. Allele origin: germline. Affected: no.

Labcorp Genetics (formerly Invitae), Labcorp
Classification: Uncertain significance for Peutz-Jeghers syndrome. Last evaluated: 2020-05-29. Review status: criteria provided, single submitter. Criteria: Invitae Variant Classification Sherloc (09022015). Collection method: clinical testing. Allele origin: germline.
Comment: In summary, the available evidence is currently insufficient to determine the role of this variant in disease. Therefore, it has been classified as a Variant of Uncertain Significance. Algorithms developed to predict the effect of missense changes on protein structure and function are either unavailable or do not agree on the potential impact of this missense change (SIFT: "Tolerated"; PolyPhen-2: "Possibly Damaging"; Align-GVGD: "Class C0"). This sequence change replaces serine with glycine at codon 213 of the STK11 protein (p.Ser213Gly). The serine residue is highly conserved and there is a small physicochemical difference between serine and glycine. This variant is not present in population databases (ExAC no frequency). This variant has not been reported in the literature in individuals with STK11-related conditions.

Ambry Genetics
Classification: Uncertain significance for Hereditary cancer-predisposing syndrome. Last evaluated: 2019-01-29. Review status: criteria provided, single submitter. Criteria: Ambry Variant Classification Scheme 2023. Collection method: clinical testing. Allele origin: germline.
Comment: The p.S213G variant (also known as c.637A>G), located in coding exon 5 of the STK11 gene, results from an A to G substitution at nucleotide position 637. The serine at codon 213 is replaced by glycine, an amino acid with similar properties. This amino acid position is highly conserved in available vertebrate species. In addition, the in silico prediction for this alteration is inconclusive. Since supporting evidence is limited at this time, the clinical significance of this alteration remains unclear.